The following is an entry in ClinVar:

ClinVar aggregate classification (germline): Pathogenic/Likely pathogenic. Review status: criteria provided, multiple submitters, no conflicts (2 of 4 stars). 3 submissions from 3 submitters: Pathogenic (1); Likely pathogenic (1). 1 of the submissions does not count toward it. Last evaluated 2017-01-19.

Conditions:
Hereditary cancer-predisposing syndrome. Also called: Tumor predisposition; Hereditary neoplastic syndrome; Hereditary Cancer Syndrome; Neoplastic Syndromes, Hereditary. Identifiers: Orphanet 140162, MedGen C0027672, MeSH D009386, MONDO:0015356.
Breast-ovarian cancer, familial, susceptibility to, 1 (BROVCA1). Also called: BRCA1 Hereditary Breast and Ovarian Cancer; OVARIAN CANCER, SUSCEPTIBILITY TO. Identifiers: Orphanet 145, MedGen C2676676, MONDO:0011450, OMIM 604370. Disease mechanism: loss of function.

Submissions (3):

Ambry Genetics
Classification: Likely pathogenic for Hereditary cancer-predisposing syndrome. Last evaluated: 2017-01-19. Review status: criteria provided, single submitter. Criteria: Ambry Variant Classification Scheme 2023. Collection method: clinical testing. Allele origin: germline.
Comment: The c.302-1G>T intronic variant results from a G to T substitution one nucleotide upstream from coding exon 5 of the BRCA1 gene. This nucleotide position is highly conserved in available vertebrate species. Using the BDGP and ESEfinder splice site prediction tools, this alteration is predicted to abolish the native splice acceptor site; however, direct evidence is unavailable. Alterations that disrupt the canonical splice site are expected to cause aberrant splicing, resulting in an abnormal protein or a transcript that is subject to nonsense-mediated mRNA decay. As such, this alteration is classified as likely pathogenic.

Consortium of Investigators of Modifiers of BRCA1/2 (CIMBA), c/o University of Cambridge
Classification: Pathogenic for Breast-ovarian cancer, familial, susceptibility to, 1. Last evaluated: 2015-10-02. Review status: criteria provided, single submitter. Criteria: CIMBA Mutation Classification guidelines May 2016. Collection method: clinical testing. Allele origin: germline.

Breast Cancer Information Core (BIC) (BRCA1)
Classification: Pathogenic for Breast-ovarian cancer, familial 1. Last evaluated: 2002-05-29. Review status: no assertion criteria provided. Collection method: clinical testing. Allele origin: germline. Affected: yes. Observed: 2 variant alleles. Not counted in ClinVar's aggregate classification.

NM_007294.4(BRCA1):c.302-1G>T

Gene: BRCA1 (BRCA1 DNA repair associated; minus strand). Cytogenetic location: 17q21.31.
Variant type: single nucleotide variant.
Coding change: c.302-1G>T on transcript NM_007294.4 (MANE Select); the canonical splice acceptor site of the intron before coding-DNA position 302, G replaced by T.
Molecular consequence: splice acceptor variant. On other transcripts: intron variant (2).
Genome position (GRCh38, 1-based): chr17:43,104,262, C>A on the plus strand (G>T on the coding strand, the complement: BRCA1 is on the minus strand). VCF-style: chr17-43104262-C-A. GRCh37 (hg19) VCF-style: chr17-41256279-C-A.
Other names: IVS6-1G>T; c.161-1G>T (NM_001407729.1, NM_001407936.1, NM_001407849.1 and 99 more transcripts); c.92-1G>T (NM_001407899.1, NM_001408507.1, NM_001407885.1 and 58 more transcripts); c.302-1G>T (NM_001408495.1, NM_001408448.1, NM_001408421.1 and 164 more transcripts); c.-218-9402G>T (NM_001407967.1, NM_001407966.1); c.-80-1G>T (NM_001407959.1, NM_001407962.1, NM_001408512.1 and 4 more transcripts); c.170-1G>T (NM_001408451.1); c.224-1G>T (NM_001408475.1, NM_001407875.1, NM_001407659.1 and 21 more transcripts); and 1 more.
Identifiers: ClinVar variation 125667 (VCV000125667.8), dbSNP rs80358116, ClinGen allele CA001976.